The following is an entry in ClinVar:

NM_001035.3(RYR2):c.6973A>T (p.Ile2325Phe)

Gene: RYR2 (ryanodine receptor 2; plus strand). Cytogenetic location: 1q43.
Variant type: single nucleotide variant.
Coding change: c.6973A>T on transcript NM_001035.3 (MANE Select); coding-DNA position 6973, A replaced by T.
Protein change: p.Ile2325Phe; replaces isoleucine 2325 with phenylalanine.
Molecular consequence: missense variant.
Genome position (GRCh38, 1-based): chr1:237,639,059, A>T. VCF-style: chr1-237639059-A-T. GRCh37 (hg19) VCF-style: chr1-237802359-A-T.
Other names: c.6973A>T, p.Ile2325Phe (LRG_402t1); short protein forms I2325F.
Identifiers: ClinVar variation 404184 (VCV000404184.11), dbSNP rs1060500138, ClinGen allele CA16610002.

ClinVar aggregate classification (germline): Uncertain significance. Review status: criteria provided, multiple submitters, no conflicts (2 of 4 stars). 2 submissions from 2 submitters: Uncertain significance (2). Last evaluated 2025-08-26.

Conditions:
Cardiovascular phenotype. Identifiers: MedGen CN230736.
Catecholaminergic polymorphic ventricular tachycardia 1. Also called: VENTRICULAR TACHYCARDIA, CATECHOLAMINERGIC POLYMORPHIC, 1, WITH OR WITHOUT ATRIAL DYSFUNCTION AND/OR DILATED CARDIOMYOPATHY; RYR2-Related Catecholaminergic Polymorphic Ventricular Tachycardia; VENTRICULAR TACHYCARDIA, STRESS-INDUCED POLYMORPHIC 1. Identifiers: Orphanet 3286, MedGen C1631597, MONDO:0011484, OMIM 604772.

Submissions (2):

Ambry Genetics
Classification: Uncertain significance for Cardiovascular phenotype. Last evaluated: 2025-08-26. Review status: criteria provided, single submitter. Criteria: Ambry Variant Classification Scheme 2023. Collection method: clinical testing. Allele origin: germline.
Comment: The p.I2325F variant (also known as c.6973A>T), located in coding exon 46 of the RYR2 gene, results from an A to T substitution at nucleotide position 6973. The isoleucine at codon 2325 is replaced by phenylalanine, an amino acid with highly similar properties. This variant was reported in individual(s) with features consistent with catecholaminergic polymorphic ventricular tachycardia (Ambry internal data). This amino acid position is highly conserved in available vertebrate species. In addition, this alteration is predicted to be deleterious by in silico analysis. Based on the available evidence, the clinical significance of this variant remains unclear.

Labcorp Genetics (formerly Invitae), Labcorp
Classification: Uncertain significance for Catecholaminergic polymorphic ventricular tachycardia 1. Last evaluated: 2025-07-14. Review status: criteria provided, single submitter. Criteria: Invitae Variant Classification Sherloc (09022015). Collection method: clinical testing. Allele origin: germline.
Comment: This sequence change replaces isoleucine, which is neutral and non-polar, with phenylalanine, which is neutral and non-polar, at codon 2325 of the RYR2 protein (p.Ile2325Phe). This variant is not present in population databases (gnomAD no frequency). This variant has not been reported in the literature in individuals affected with RYR2-related conditions. ClinVar contains an entry for this variant (Variation ID: 404184). Invitae Evidence Modeling of protein sequence and biophysical properties (such as structural, functional, and spatial information, amino acid conservation, physicochemical variation, residue mobility, and thermodynamic stability) indicates that this missense variant is expected to disrupt RYR2 protein function with a positive predictive value of 95%. In summary, the available evidence is currently insufficient to determine the role of this variant in disease. Therefore, it has been classified as a Variant of Uncertain Significance.